The following is an entry in ClinVar:

ClinVar aggregate classification (germline): Uncertain significance (1 of 4 stars; one submission).

Conditions:
Combined oxidative phosphorylation deficiency. Identifiers: MedGen C4540031, MONDO:0000732.
Charcot-Marie-Tooth Neuropathy X. Identifiers: MedGen CN118851.

Allele frequency attached by ClinVar (database versions not stated): gnomAD exomes below 0.00001; ExAC 0.00001.
gnomAD v4.1: 1 of 1,211,525 alleles (0.000083%); highest among the groups gnomAD compares: Non-Finnish European, 0.00011%; no homozygotes.

Submission:

Labcorp Genetics (formerly Invitae), Labcorp
Classification: Uncertain significance for Charcot-Marie-Tooth Neuropathy X; Combined oxidative phosphorylation deficiency. Last evaluated: 2022-04-12. Review status: criteria provided, single submitter. Criteria: Invitae Variant Classification Sherloc (09022015). Collection method: clinical testing. Allele origin: germline.
Comment: This variant has not been reported in the literature in individuals affected with AIFM1-related conditions. In summary, the available evidence is currently insufficient to determine the role of this variant in disease. Therefore, it has been classified as a Variant of Uncertain Significance. Variants that disrupt the consensus splice site are a relatively common cause of aberrant splicing (PMID: 17576681, 9536098). Algorithms developed to predict the effect of sequence changes on RNA splicing suggest that this variant is not likely to affect RNA splicing. The frequency data for this variant in the population databases is considered unreliable, as metrics indicate poor data quality at this position in the gnomAD database. This sequence change falls in intron 14 of the AIFM1 gene. It does not directly change the encoded amino acid sequence of the AIFM1 protein. It affects a nucleotide within the consensus splice site.

Literature cited by the submitters: PubMed 17576681; PubMed 9536098.

NM_004208.4(AIFM1):c.1574-3C>T

Genes: AIFM1 (apoptosis inducing factor mitochondria associated 1; minus strand), RAB33A (RAB33A, member RAS oncogene family; plus strand). Cytogenetic location: Xq26.1.
Variant type: single nucleotide variant.
Coding change: c.1574-3C>T on transcript NM_004208.4 (MANE Select); 3 bases into the intron before coding-DNA position 1574, C replaced by T.
Molecular consequence: intron variant.
Genome position (GRCh38, 1-based): chrX:130,130,169, G>A on the plus strand (C>T on the coding strand, the complement: AIFM1 is on the minus strand). VCF-style: chrX-130130169-G-A. GRCh37 (hg19) VCF-style: chrX-129264144-G-A.
Other names: c.1562-3C>T (NM_145812.3); c.*802-3C>T (NM_001130847.4); c.557-3C>T (NM_001130846.4).
Identifiers: ClinVar variation 2124664 (VCV002124664.4), dbSNP rs769388847, ClinGen allele CA10515252.